The following is an entry in ClinVar:

ClinVar aggregate classification (germline): Pathogenic (1 of 4 stars; one submission).

Submission:

Ambry Genetics
Classification: Pathogenic. Last evaluated: 2026-05-29. Review status: criteria provided, single submitter. Criteria: Ambry Variant Classification Scheme 2023. Collection method: clinical testing. Allele origin: germline.
Comment: The p.C1202* pathogenic mutation (also known as c.3606T>A), located in coding exon 5 of the MLH3 gene, results from a T to A substitution at nucleotide position 3606. This changes the amino acid from a cysteine to a stop codon within coding exon 5. This variant is considered to be rare based on population cohorts in the Genome Aggregation Database (gnomAD). This alteration is expected to result in loss of function by premature protein truncation or nonsense-mediated mRNA decay. As such, this alteration is interpreted as a disease-causing mutation.

NM_001040108.2(MLH3):c.3606T>A (p.Cys1202Ter)

Gene: MLH3 (mutL homolog 3; minus strand). Cytogenetic location: 14q24.3.
Variant type: single nucleotide variant.
Coding change: c.3606T>A on transcript NM_001040108.2 (MANE Select); coding-DNA position 3606, T replaced by A.
Protein change: p.Cys1202Ter; replaces cysteine 1202 with a stop codon.
Molecular consequence: nonsense.
Genome position (GRCh38, 1-based): chr14:75,038,377, A>T on the plus strand (T>A on the coding strand, the complement: MLH3 is on the minus strand). VCF-style: chr14-75038377-A-T. GRCh37 (hg19) VCF-style: chr14-75505080-A-T.
Other names: c.3606T>A, p.Cys1202Ter (NM_014381.3); short protein forms C1202*.
Identifiers: ClinVar variation 3232548 (VCV003232548.2), dbSNP rs1891566879, ClinGen allele CA390427052.